The following is an entry in ClinVar:

NM_152328.5(ADSS1):c.985T>C (p.Trp329Arg)

Gene: ADSS1 (adenylosuccinate synthase 1; plus strand). Cytogenetic location: 14q32.33.
Variant type: single nucleotide variant.
Coding change: c.985T>C on transcript NM_152328.5 (MANE Select); coding-DNA position 985, T replaced by C.
Protein change: p.Trp329Arg; replaces tryptophan 329 with arginine.
Molecular consequence: missense variant.
Genome position (GRCh38, 1-based): chr14:104,743,103, T>C. VCF-style: chr14-104743103-T-C. GRCh37 (hg19) VCF-style: chr14-105209440-T-C.
Other names: c.370T>C, p.Trp124Arg (NM_001320424.1); c.1114T>C, p.Trp372Arg (NM_199165.2); short protein forms W329R, W372R, W124R.
Identifiers: ClinVar variation 1961501 (VCV001961501.5), dbSNP rs773527871, ClinGen allele CA7373967.
Genomic context (GRCh38, chr14:104,743,103, plus strand): 5'-GACGTCCTCCCTGTTCTCATGTAGGAGATTGGAGGCCTGCTGCAGACCCGCGGCCACGAG[T>C]GGGGAGTGACCACAGGCAGGAAGAGGCGCTGCGGCTGGCTCGACCTGATGATTCTAAGAT-3'
Protein context (NP_689541.1, residues 319-339): GGLLQTRGHE[Trp329Arg]GVTTGRKRRC

ClinVar aggregate classification (germline): Uncertain significance (1 of 4 stars; one submission).

Allele frequency attached by ClinVar (database versions not stated): gnomAD exomes below 0.00001; ExAC 0.00001.
gnomAD v4.1: 1 of 1,612,878 alleles (0.000062%); highest among the groups gnomAD compares: Admixed American, 0.0017%; no homozygotes.

Submission:

Labcorp Genetics (formerly Invitae), Labcorp
Classification: Uncertain significance. Last evaluated: 2022-08-09. Review status: criteria provided, single submitter. Criteria: Invitae Variant Classification Sherloc (09022015). Collection method: clinical testing. Allele origin: germline.
Comment: Algorithms developed to predict the effect of missense changes on protein structure and function are either unavailable or do not agree on the potential impact of this missense change (SIFT: "Not Available"; PolyPhen-2: "Benign"; Align-GVGD: "Not Available"). This sequence change replaces tryptophan, which is neutral and slightly polar, with arginine, which is basic and polar, at codon 372 of the ADSSL1 protein (p.Trp372Arg). This variant is present in population databases (rs773527871, gnomAD 0.003%). This variant has not been reported in the literature in individuals affected with ADSSL1-related conditions. In summary, the available evidence is currently insufficient to determine the role of this variant in disease. Therefore, it has been classified as a Variant of Uncertain Significance.